The following is an entry in ClinVar:

ClinVar aggregate classification (germline): Uncertain significance (1 of 4 stars; one submission).

Submission:

Labcorp Genetics (formerly Invitae), Labcorp
Classification: Uncertain significance. Last evaluated: 2021-12-09. Review status: criteria provided, single submitter. Criteria: Invitae Variant Classification Sherloc (09022015). Collection method: clinical testing. Allele origin: germline.
Comment: This sequence change replaces glycine, which is neutral and non-polar, with valine, which is neutral and non-polar, at codon 1061 of the LRP2 protein (p.Gly1061Val). This variant is not present in population databases (gnomAD no frequency). This variant has not been reported in the literature in individuals affected with LRP2-related conditions. Algorithms developed to predict the effect of missense changes on protein structure and function are either unavailable or do not agree on the potential impact of this missense change (SIFT: "Deleterious"; PolyPhen-2: "Possibly Damaging"; Align-GVGD: "Class C15"). In summary, the available evidence is currently insufficient to determine the role of this variant in disease. Therefore, it has been classified as a Variant of Uncertain Significance.

NM_004525.3(LRP2):c.3182G>T (p.Gly1061Val)

Gene: LRP2 (LDL receptor related protein 2; minus strand). Cytogenetic location: 2q31.1.
Variant type: single nucleotide variant.
Coding change: c.3182G>T on transcript NM_004525.3 (MANE Select); coding-DNA position 3182, G replaced by T.
Protein change: p.Gly1061Val; replaces glycine 1061 with valine.
Molecular consequence: missense variant.
Genome position (GRCh38, 1-based): chr2:169,246,713, C>A on the plus strand (G>T on the coding strand, the complement: LRP2 is on the minus strand). VCF-style: chr2-169246713-C-A. GRCh37 (hg19) VCF-style: chr2-170103223-C-A.
Other names: short protein forms G1061V.
Identifiers: ClinVar variation 2038516 (VCV002038516.4), dbSNP rs544224269, ClinGen allele CA349152491.